The following is an entry in ClinVar:

ClinVar aggregate classification (germline): Uncertain significance (1 of 4 stars; one submission).

Conditions:
Primary ciliary dyskinesia. Also called: Ciliary dyskinesia. Identifiers: Orphanet 244, MedGen C0008780, MONDO:0016575, HP:0012265.

Submission:

Labcorp Genetics (formerly Invitae), Labcorp
Classification: Uncertain significance for Primary ciliary dyskinesia. Last evaluated: 2022-02-18. Review status: criteria provided, single submitter. Criteria: Invitae Variant Classification Sherloc (09022015). Collection method: clinical testing. Allele origin: germline.
Comment: This variant is not present in population databases (gnomAD no frequency). In summary, the available evidence is currently insufficient to determine the role of this variant in disease. Therefore, it has been classified as a Variant of Uncertain Significance. Advanced modeling of protein sequence and biophysical properties (such as structural, functional, and spatial information, amino acid conservation, physicochemical variation, residue mobility, and thermodynamic stability) performed at Invitae indicates that this missense variant is not expected to disrupt DNAH5 protein function. This variant has not been reported in the literature in individuals affected with DNAH5-related conditions. This sequence change replaces glutamic acid, which is acidic and polar, with lysine, which is basic and polar, at codon 4312 of the DNAH5 protein (p.Glu4312Lys).

NM_001369.3(DNAH5):c.12934G>A (p.Glu4312Lys)

Gene: DNAH5 (dynein axonemal heavy chain 5; minus strand). Cytogenetic location: 5p15.2.
Variant type: single nucleotide variant.
Coding change: c.12934G>A on transcript NM_001369.3 (MANE Select); coding-DNA position 12934, G replaced by A.
Protein change: p.Glu4312Lys; replaces glutamic acid 4312 with lysine.
Molecular consequence: missense variant.
Genome position (GRCh38, 1-based): chr5:13,714,596, C>T on the plus strand (G>A on the coding strand, the complement: DNAH5 is on the minus strand). VCF-style: chr5-13714596-C-T. GRCh37 (hg19) VCF-style: chr5-13714705-C-T.
Other names: short protein forms E4312K.
Identifiers: ClinVar variation 1906409 (VCV001906409.5), dbSNP rs2546504199, ClinGen allele CA359202500.